The following is an entry in ClinVar:

ClinVar aggregate classification (germline): Uncertain significance (1 of 4 stars; one submission).

gnomAD v4.1: 1 of 1,563,694 alleles (0.000064%); highest among the groups gnomAD compares: Non-Finnish European, 0.000087%; no homozygotes.

Submission:

Labcorp Genetics (formerly Invitae), Labcorp
Classification: Uncertain significance. Last evaluated: 2025-08-26. Review status: criteria provided, single submitter. Criteria: Invitae Variant Classification Sherloc (09022015). Collection method: clinical testing. Allele origin: germline.
Comment: This sequence change replaces glutamic acid, which is acidic and polar, with aspartic acid, which is acidic and polar, at codon 1619 of the MYH14 protein (p.Glu1619Asp). This variant is not present in population databases (gnomAD no frequency). This variant has not been reported in the literature in individuals affected with MYH14-related conditions. ClinVar contains an entry for this variant (Variation ID: 3694748). Invitae Evidence Modeling of protein sequence and biophysical properties (such as structural, functional, and spatial information, amino acid conservation, physicochemical variation, residue mobility, and thermodynamic stability) indicates that this missense variant is expected to disrupt MYH14 protein function with a positive predictive value of 80%. In summary, the available evidence is currently insufficient to determine the role of this variant in disease. Therefore, it has been classified as a Variant of Uncertain Significance.

NM_001145809.2(MYH14):c.4980G>T (p.Glu1660Asp)

Gene: MYH14 (myosin heavy chain 14; plus strand). Cytogenetic location: 19q13.33.
Variant type: single nucleotide variant.
Coding change: c.4980G>T on transcript NM_001145809.2 (MANE Select); coding-DNA position 4980, G replaced by T.
Protein change: p.Glu1660Asp; replaces glutamic acid 1660 with aspartic acid.
Molecular consequence: missense variant.
Genome position (GRCh38, 1-based): chr19:50,290,901, G>T. VCF-style: chr19-50290901-G-T. GRCh37 (hg19) VCF-style: chr19-50794158-G-T.
Other names: c.4881G>T, p.Glu1627Asp (NM_001077186.2); c.4857G>T, p.Glu1619Asp (NM_024729.4); short protein forms E1619D, E1660D, E1627D.
Identifiers: ClinVar variation 3694748 (VCV003694748.2).